The following is an entry in ClinVar:

ClinVar aggregate classification (germline): Uncertain significance. Review status: criteria provided, single submitter (1 of 4 stars). 3 submissions from 3 submitters: Uncertain significance (1). 2 of the submissions do not count toward it. Last evaluated 2022-08-08.

gnomAD v4.1: 8 of 1,611,394 alleles (0.0005%); highest among the groups gnomAD compares: Non-Finnish European, 0.00068%; no homozygotes.

Submissions (3):

Labcorp Genetics (formerly Invitae), Labcorp
Classification: Uncertain significance. Last evaluated: 2022-08-08. Review status: criteria provided, single submitter. Criteria: Invitae Variant Classification Sherloc (09022015). Collection method: clinical testing. Allele origin: germline.
Comment: This sequence change replaces proline, which is neutral and non-polar, with arginine, which is basic and polar, at codon 504 of the WFS1 protein (p.Pro504Arg). This variant is not present in population databases (gnomAD no frequency). This missense change has been observed in individual(s) with WFS1-related conditions (PMID: 24890733, 27395765, 33841295). ClinVar contains an entry for this variant (Variation ID: 1328269). Algorithms developed to predict the effect of missense changes on protein structure and function are either unavailable or do not agree on the potential impact of this missense change (SIFT: "Tolerated"; PolyPhen-2: "Possibly Damaging"; Align-GVGD: "Class C0"). This variant disrupts the p.Pro504 amino acid residue in WFS1. Other variant(s) that disrupt this residue have been determined to be pathogenic (PMID: 9771706, 15277431, 16806192, 24890733). This suggests that this residue is clinically significant, and that variants that disrupt this residue are likely to be disease-causing. In summary, the available evidence is currently insufficient to determine the role of this variant in disease. Therefore, it has been classified as a Variant of Uncertain Significance.

Joint Genome Diagnostic Labs from Nijmegen and Maastricht, Radboudumc and MUMC+
Classification: Likely pathogenic. Review status: no assertion criteria provided. Collection method: clinical testing. Allele origin: germline. Affected: yes. Study: VKGL Data-share Consensus. Not counted in ClinVar's aggregate classification.

Laboratory of Diagnostic Genome Analysis, Leiden University Medical Center (LUMC)
Classification: Likely pathogenic. Review status: no assertion criteria provided. Collection method: clinical testing. Allele origin: germline. Affected: yes. Study: VKGL Data-share Consensus. Not counted in ClinVar's aggregate classification.

Literature cited by the submitters: PubMed 24890733 (cited by Labcorp Genetics (formerly Invitae), Labcorp); PubMed 27395765 (cited by Labcorp Genetics (formerly Invitae), Labcorp); PubMed 33841295 (cited by Labcorp Genetics (formerly Invitae), Labcorp); PubMed 9771706 (cited by Labcorp Genetics (formerly Invitae), Labcorp); PubMed 15277431 (cited by Labcorp Genetics (formerly Invitae), Labcorp); PubMed 16806192 (cited by Labcorp Genetics (formerly Invitae), Labcorp).

NM_006005.3(WFS1):c.1511C>G (p.Pro504Arg)

Gene: WFS1 (wolframin ER transmembrane glycoprotein; plus strand). Cytogenetic location: 4p16.1.
Variant type: single nucleotide variant.
Coding change: c.1511C>G on transcript NM_006005.3 (MANE Select); coding-DNA position 1511, C replaced by G.
Protein change: p.Pro504Arg; replaces proline 504 with arginine.
Molecular consequence: missense variant.
Genome position (GRCh38, 1-based): chr4:6,301,306, C>G. VCF-style: chr4-6301306-C-G. GRCh37 (hg19) VCF-style: chr4-6303033-C-G.
Other names: c.1511C>G, p.Pro504Arg (NM_001145853.1); short protein forms P504R.
Identifiers: ClinVar variation 1328269 (VCV001328269.8), dbSNP rs28937892, ClinGen allele CA356175771.
Genomic context (GRCh38, chr4:6,301,306, plus strand): 5'-TTGGCCAGACCTTCATCACCGTGCCTGTCGGCCACCTGGTCGTCCTCAACGTCAGCGTCC[C>G]GTGCCTGCTCTATGTCTACCTGCTCTATCTCTTCTTCCGCATGGCACAGCTGAGGAATTT-3'
Protein context (NP_005996.2, residues 494-514): GHLVVLNVSV[Pro504Arg]CLLYVYLLYL